The following is an entry in ClinVar:

NM_001458.5(FLNC):c.4516A>G (p.Thr1506Ala)

Gene: FLNC (filamin C; plus strand). Cytogenetic location: 7q32.1.
Variant type: single nucleotide variant.
Coding change: c.4516A>G on transcript NM_001458.5 (MANE Select); coding-DNA position 4516, A replaced by G.
Protein change: p.Thr1506Ala; replaces threonine 1506 with alanine.
Molecular consequence: missense variant.
Genome position (GRCh38, 1-based): chr7:128,848,004, A>G. VCF-style: chr7-128848004-A-G. GRCh37 (hg19) VCF-style: chr7-128488058-A-G.
Other names: c.4516A>G, p.Thr1506Ala (NM_001127487.2); short protein forms T1506A.
Identifiers: ClinVar variation 1414937 (VCV001414937.10), dbSNP rs771974318, ClinGen allele CA369201925.

ClinVar aggregate classification (germline): Uncertain significance. Review status: criteria provided, multiple submitters, no conflicts (2 of 4 stars). 4 submissions from 4 submitters: Uncertain significance (4). Last evaluated 2025-07-24.

Conditions:
Cardiovascular phenotype. Identifiers: MedGen CN230736.
Hypertrophic cardiomyopathy 26. Also called: Cardiomyopathy, familial hypertrophic, 26. Identifiers: Orphanet 75249, MedGen C4310749, MONDO:0014883, OMIM 617047.
Myofibrillar myopathy 5. Also called: Filaminopathy (type); FILAMINOPATHY, AUTOSOMAL DOMINANT. Identifiers: Orphanet 171445, MedGen C1836050, MONDO:0012289, OMIM 609524.
Distal myopathy with posterior leg and anterior hand involvement. Also called: WILLIAMS DISTAL MYOPATHY. Identifiers: Orphanet 63273, MedGen C3279722, MONDO:0013550, OMIM 614065.

Allele frequency attached by ClinVar (database versions not stated): gnomAD exomes below 0.00001.
gnomAD v4.1: 6 of 1,604,818 alleles (0.00037%); highest among the groups gnomAD compares: Non-Finnish European, 0.00043%; no homozygotes.

Submissions (4):

Molecular Diagnostic Laboratory for Inherited Cardiovascular Disease, Montreal Heart Institute
Classification: Uncertain significance for Cardiovascular phenotype. Last evaluated: 2025-07-24. Review status: criteria provided, single submitter. Criteria: ACMG Guidelines, 2015. Collection method: clinical testing. Allele origin: germline. Affected: yes.
Comment: PM2

Women's Health and Genetics/Laboratory Corporation of America, LabCorp
Classification: Uncertain significance. Last evaluated: 2024-11-20. Review status: criteria provided, single submitter. Criteria: LabCorp Variant Classification Summary - May 2015. Collection method: clinical testing. Allele origin: germline.
Comment: Variant summary: FLNC c.4516A>G (p.Thr1506Ala) results in a non-conservative amino acid change located in the Filamin/ABP280 repeat (IPR017868) of the encoded protein sequence. Four of five in-silico tools predict a damaging effect of the variant on protein function. The variant was absent in 228804 control chromosomes (gnomAD). The available data on variant occurrences in the general population are insufficient to allow any conclusion about variant significance. To our knowledge, no occurrence of c.4516A>G in individuals affected with Cardiomyopathy and no experimental evidence demonstrating its impact on protein function have been reported. ClinVar contains an entry for this variant (Variation ID: 1414937). Based on the evidence outlined above, the variant was classified as uncertain significance.

Labcorp Genetics (formerly Invitae), Labcorp
Classification: Uncertain significance for Distal myopathy with posterior leg and anterior hand involvement; Myofibrillar myopathy 5; Hypertrophic cardiomyopathy 26. Last evaluated: 2024-07-06. Review status: criteria provided, single submitter. Criteria: Invitae Variant Classification Sherloc (09022015). Collection method: clinical testing. Allele origin: germline.
Comment: This sequence change replaces threonine, which is neutral and polar, with alanine, which is neutral and non-polar, at codon 1506 of the FLNC protein (p.Thr1506Ala). This variant is not present in population databases (gnomAD no frequency). This variant has not been reported in the literature in individuals affected with FLNC-related conditions. ClinVar contains an entry for this variant (Variation ID: 1414937). Advanced modeling of protein sequence and biophysical properties (such as structural, functional, and spatial information, amino acid conservation, physicochemical variation, residue mobility, and thermodynamic stability) has been performed at Invitae for this missense variant, however the output from this modeling did not meet the statistical confidence thresholds required to predict the impact of this variant on FLNC protein function. In summary, the available evidence is currently insufficient to determine the role of this variant in disease. Therefore, it has been classified as a Variant of Uncertain Significance.

Ambry Genetics
Classification: Uncertain significance for Cardiovascular phenotype. Last evaluated: 2021-02-01. Review status: criteria provided, single submitter. Criteria: Ambry Variant Classification Scheme 2023. Collection method: clinical testing. Allele origin: germline.
Comment: The p.T1506A variant (also known as c.4516A>G), located in coding exon 26 of the FLNC gene, results from an A to G substitution at nucleotide position 4516. The threonine at codon 1506 is replaced by alanine, an amino acid with similar properties. This amino acid position is highly conserved in available vertebrate species. In addition, the in silico prediction for this alteration is inconclusive. Since supporting evidence is limited at this time, the clinical significance of this alteration remains unclear.